The following is an entry in ClinVar:

NM_000393.5(COL5A2):c.1067G>T (p.Arg356Leu)

Gene: COL5A2 (collagen type V alpha 2 chain; minus strand). Cytogenetic location: 2q32.2.
Variant type: single nucleotide variant.
Coding change: c.1067G>T on transcript NM_000393.5 (MANE Select); coding-DNA position 1067, G replaced by T.
Protein change: p.Arg356Leu; replaces arginine 356 with leucine.
Molecular consequence: missense variant.
Genome position (GRCh38, 1-based): chr2:189,075,430, C>A on the plus strand (G>T on the coding strand, the complement: COL5A2 is on the minus strand). VCF-style: chr2-189075430-C-A. GRCh37 (hg19) VCF-style: chr2-189940156-C-A.
Other names: short protein forms R356L.
Identifiers: ClinVar variation 4736486 (VCV004736486.1).

ClinVar aggregate classification (germline): Uncertain significance (1 of 4 stars; one submission).

Conditions:
Ehlers-Danlos syndrome, classic type, 1 (EDSCL1). Also called: EHLERS-DANLOS SYNDROME, GRAVIS TYPE; EHLERS-DANLOS SYNDROME, SEVERE CLASSIC TYPE; Ehlers-Danlos syndrome, type 1; Ehlers-Danlos Syndrome, Classic Type, COL5A1-Related; EDS I. Identifiers: MedGen C0268335, MONDO:0019567, OMIM 130000.

Submission:

Labcorp Genetics (formerly Invitae), Labcorp
Classification: Uncertain significance for Ehlers-Danlos syndrome, classic type, 1. Last evaluated: 2025-03-30. Review status: criteria provided, single submitter. Criteria: Invitae Variant Classification Sherloc (09022015). Collection method: clinical testing. Allele origin: germline.
Comment: This sequence change replaces arginine, which is basic and polar, with leucine, which is neutral and non-polar, at codon 356 of the COL5A2 protein (p.Arg356Leu). This variant is not present in population databases (gnomAD no frequency). This variant has not been reported in the literature in individuals affected with COL5A2-related conditions. Invitae Evidence Modeling of protein sequence and biophysical properties (such as structural, functional, and spatial information, amino acid conservation, physicochemical variation, residue mobility, and thermodynamic stability) indicates that this missense variant is expected to disrupt COL5A2 protein function with a positive predictive value of 80%. In summary, the available evidence is currently insufficient to determine the role of this variant in disease. Therefore, it has been classified as a Variant of Uncertain Significance.